The following is an entry in ClinVar:

NM_006904.7(PRKDC):c.11246C>G (p.Pro3749Arg)

Gene: PRKDC (protein kinase, DNA-activated, catalytic subunit; minus strand). Cytogenetic location: 8q11.21.
Variant type: single nucleotide variant.
Coding change: c.11246C>G on transcript NM_006904.7 (MANE Select); coding-DNA position 11246, C replaced by G.
Protein change: p.Pro3749Arg; replaces proline 3749 with arginine.
Molecular consequence: missense variant.
Genome position (GRCh38, 1-based): chr8:47,782,528, G>C on the plus strand (C>G on the coding strand, the complement: PRKDC is on the minus strand). VCF-style: chr8-47782528-G-C. GRCh37 (hg19) VCF-style: chr8-48695089-G-C.
Other names: c.11246C>G, p.Pro3749Arg (NM_001081640.2); short protein forms P3749R.
Identifiers: ClinVar variation 998949 (VCV000998949.2), dbSNP rs776436426, ClinGen allele CA4739133.
Genomic context (GRCh38, chr8:47,782,528, plus strand): 5'-TGGAAGAGCTGCTCCACGCGCTGGTCCTGCCGCAGGTCCTCGCCACCCTTCACCAGGAAA[G>C]GGTGTTCCCTCTCGTCATGGCCACGGATGATGATGCGCTTGGGCCTTCGCAGAGACGCCA-3'
Protein context (NP_008835.5, residues 3739-3759): IIRGHDEREH[Pro3749Arg]FLVKGGEDLR

ClinVar aggregate classification (germline): Uncertain significance (1 of 4 stars; one submission).

Conditions:
Severe combined immunodeficiency due to DNA-PKcs deficiency. Also called: IMMUNODEFICIENCY 26 WITH NEUROLOGIC ABNORMALITIES; Immunodeficiency 26 with or without neurologic abnormalities. Identifiers: Orphanet 317425, MedGen C4014833, MONDO:0014423, OMIM 615966.

Allele frequency attached by ClinVar (database versions not stated): TOPMed 0.00002; ExAC 0.00029.
gnomAD v4.1: 82 of 1,576,654 alleles (0.0052%); highest among the groups gnomAD compares: South Asian, 0.083%; 1 homozygote.

Submission:

Labcorp Genetics (formerly Invitae), Labcorp
Classification: Uncertain significance for Severe combined immunodeficiency due to DNA-PKcs deficiency. Last evaluated: 2022-03-03. Review status: criteria provided, single submitter. Criteria: Invitae Variant Classification Sherloc (09022015). Collection method: clinical testing. Allele origin: germline.
Comment: This sequence change replaces proline, which is neutral and non-polar, with arginine, which is basic and polar, at codon 3749 of the PRKDC protein (p.Pro3749Arg). This variant is present in population databases (rs776436426, gnomAD 0.1%). This variant has not been reported in the literature in individuals affected with PRKDC-related conditions. ClinVar contains an entry for this variant (Variation ID: 998949). Experimental studies and prediction algorithms are not available or were not evaluated, and the functional significance of this variant is currently unknown. In summary, the available evidence is currently insufficient to determine the role of this variant in disease. Therefore, it has been classified as a Variant of Uncertain Significance.